The following is an entry in ClinVar:

ClinVar aggregate classification (germline): Uncertain significance. Review status: criteria provided, multiple submitters, no conflicts (2 of 4 stars). 2 submissions from 2 submitters: Uncertain significance (2). Last evaluated 2024-12-07.

Conditions:
Inborn genetic diseases. Identifiers: MedGen C0950123, MeSH D030342.

Allele frequency attached by ClinVar (database versions not stated): gnomAD exomes below 0.00001 and 0.00003; TOPMed below 0.00001; ExAC 0.00003.
gnomAD v4.1: 6 of 1,614,040 alleles (0.00037%); highest among the groups gnomAD compares: Admixed American, 0.01%; no homozygotes.

Submissions (2):

Labcorp Genetics (formerly Invitae), Labcorp
Classification: Uncertain significance. Last evaluated: 2024-12-07. Review status: criteria provided, single submitter. Criteria: Invitae Variant Classification Sherloc (09022015). Collection method: clinical testing. Allele origin: germline.
Comment: This sequence change replaces aspartic acid, which is acidic and polar, with valine, which is neutral and non-polar, at codon 494 of the LCA5 protein (p.Asp494Val). This variant is present in population databases (rs767411685, gnomAD 0.02%). This variant has not been reported in the literature in individuals affected with LCA5-related conditions. ClinVar contains an entry for this variant (Variation ID: 1351123). Invitae Evidence Modeling of protein sequence and biophysical properties (such as structural, functional, and spatial information, amino acid conservation, physicochemical variation, residue mobility, and thermodynamic stability) indicates that this missense variant is expected to disrupt LCA5 protein function with a positive predictive value of 80%. In summary, the available evidence is currently insufficient to determine the role of this variant in disease. Therefore, it has been classified as a Variant of Uncertain Significance.

Ambry Genetics
Classification: Uncertain significance for Inborn genetic diseases. Last evaluated: 2022-04-13. Review status: criteria provided, single submitter. Criteria: Ambry Variant Classification Scheme 2023. Collection method: clinical testing. Allele origin: germline.

NM_001122769.3(LCA5):c.1481A>T (p.Asp494Val)

Gene: LCA5 (lebercilin LCA5; minus strand). Cytogenetic location: 6q14.1.
Variant type: single nucleotide variant.
Coding change: c.1481A>T on transcript NM_001122769.3 (MANE Select); coding-DNA position 1481, A replaced by T.
Protein change: p.Asp494Val; replaces aspartic acid 494 with valine.
Molecular consequence: missense variant.
Genome position (GRCh38, 1-based): chr6:79,487,617, T>A on the plus strand (A>T on the coding strand, the complement: LCA5 is on the minus strand). VCF-style: chr6-79487617-T-A. GRCh37 (hg19) VCF-style: chr6-80197334-T-A.
Other names: c.1481A>T, p.Asp494Val (NM_181714.4); c.1481A>T (NM_181714.3); short protein forms D494V.
Identifiers: ClinVar variation 1351123 (VCV001351123.8), dbSNP rs767411685, ClinGen allele CA3900823.